The following is an entry in ClinVar:

ClinVar aggregate classification (germline): Uncertain significance (1 of 4 stars; one submission).

Conditions:
Dilated cardiomyopathy 1O (CMD1O). Also called: CARDIOMYOPATHY, DILATED, WITH VENTRICULAR TACHYCARDIA. Identifiers: Orphanet 154, MedGen C1837839, MONDO:0012062, OMIM 608569.

Submission:

Labcorp Genetics (formerly Invitae), Labcorp
Classification: Uncertain significance for Dilated cardiomyopathy 1O. Last evaluated: 2020-02-27. Review status: criteria provided, single submitter. Criteria: Invitae Variant Classification Sherloc (09022015). Collection method: clinical testing. Allele origin: germline.
Comment: This sequence change replaces arginine with proline at codon 694 of the ABCC9 protein (p.Arg694Pro). The arginine residue is moderately conserved and there is a moderate physicochemical difference between arginine and proline. This variant is not present in population databases (ExAC no frequency). This variant has not been reported in the literature in individuals with ABCC9-related conditions. Algorithms developed to predict the effect of missense changes on protein structure and function are either unavailable or do not agree on the potential impact of this missense change (SIFT: "Deleterious"; PolyPhen-2: "Benign"; Align-GVGD: "Class C0"). In summary, the available evidence is currently insufficient to determine the role of this variant in disease. Therefore, it has been classified as a Variant of Uncertain Significance.

NM_020297.4(ABCC9):c.2081G>C (p.Arg694Pro)

Gene: ABCC9 (ATP binding cassette subfamily C member 9; minus strand). Cytogenetic location: 12p12.1.
Variant type: single nucleotide variant.
Coding change: c.2081G>C on transcript NM_020297.4 (MANE Select); coding-DNA position 2081, G replaced by C.
Protein change: p.Arg694Pro; replaces arginine 694 with proline.
Molecular consequence: missense variant.
Genome position (GRCh38, 1-based): chr12:21,875,665, C>G on the plus strand (G>C on the coding strand, the complement: ABCC9 is on the minus strand). VCF-style: chr12-21875665-C-G. GRCh37 (hg19) VCF-style: chr12-22028599-C-G.
Other names: c.2081G>C, p.Arg694Pro (NM_001377273.1, NM_005691.4); c.1217G>C, p.Arg406Pro (NM_001377274.1); short protein forms R406P, R694P.
Identifiers: ClinVar variation 1017241 (VCV001017241.8), dbSNP rs267603424, ClinGen allele CA384134222.